The following is an entry in ClinVar:

NM_004958.4(MTOR):c.6204A>G (p.Thr2068=)

Gene: MTOR (mechanistic target of rapamycin kinase; minus strand). Cytogenetic location: 1p36.22.
Variant type: single nucleotide variant.
Coding change: c.6204A>G on transcript NM_004958.4 (MANE Select); coding-DNA position 6204, A replaced by G.
Protein change: p.Thr2068=; no amino-acid change (threonine 2068 retained).
Molecular consequence: synonymous variant.
Genome position (GRCh38, 1-based): chr1:11,127,636, T>C on the plus strand (A>G on the coding strand, the complement: MTOR is on the minus strand). VCF-style: chr1-11127636-T-C. GRCh37 (hg19) VCF-style: chr1-11187693-T-C.
Identifiers: ClinVar variation 702462 (VCV000702462.16), dbSNP rs763033402, ClinGen allele CA589160.

ClinVar aggregate classification (germline): Benign/Likely benign. Review status: criteria provided, multiple submitters, no conflicts (2 of 4 stars). 3 submissions from 3 submitters: Benign (1); Likely benign (2). Last evaluated 2025-12-01.

Allele frequency attached by ClinVar (database versions not stated): gnomAD below 0.00001 and 0.00003; TOPMed 0.00001; ExAC 0.00023.
gnomAD v4.1: 123 of 1,613,096 alleles (0.0076%); highest among the groups gnomAD compares: South Asian, 0.13%; 2 homozygotes.

Submissions (3):

CeGaT Center for Human Genetics Tuebingen
Classification: Likely benign. Last evaluated: 2025-12-01. Review status: criteria provided, single submitter. Criteria: CeGaT Center For Human Genetics Tuebingen Variant Classification Criteria Version 2. Collection method: clinical testing. Allele origin: germline. Affected: yes. Observed: 1 variant allele.
Comment: MTOR: BP4, BP7, BS1

Labcorp Genetics (formerly Invitae), Labcorp
Classification: Benign. Last evaluated: 2025-01-11. Review status: criteria provided, single submitter. Criteria: Invitae Variant Classification Sherloc (09022015). Collection method: clinical testing. Allele origin: germline.

Blueprint Genetics
Classification: Likely benign. Last evaluated: 2024-07-17. Review status: criteria provided, single submitter. Criteria: ACMG Guidelines, 2015. Collection method: clinical testing. Allele origin: germline.